The following is an entry in ClinVar:

ClinVar aggregate classification (germline): Likely pathogenic (1 of 4 stars; one submission).

Conditions:
ERCC6L2-related disorder. Also called: ERCC6L2-related condition.

Submission:

PreventionGenetics, part of Exact Sciences
Classification: Likely pathogenic for ERCC6L2-related condition. Last evaluated: 2026-08-25. Review status: criteria provided, single submitter. Criteria: ACMG Guidelines, 2015. Collection method: clinical testing. Allele origin: germline.
Comment: The ERCC6L2 c.2649_2650delGA variant is predicted to result in a frameshift and premature protein termination (p.Asn884Tyrfs*6). To our knowledge, this variant has not been reported in the literature or in a large population database (gnomAD), indicating this variant is rare. Frameshift variants in ERCC6L2 are expected to be pathogenic. This variant is interpreted as likely pathogenic.

NM_020207.7(ERCC6L2):c.2616_2617del (p.Asn873fs)

Gene: ERCC6L2 (ERCC excision repair 6 like 2; plus strand). Cytogenetic location: 9q22.32.
Variant type: Deletion.
Coding change: c.2616_2617del on transcript NM_020207.7 (MANE Select); coding-DNA positions 2616 to 2617, 2 bases deleted (GA; older notation c.2616_2617delGA).
Protein change: p.Asn873fs; shifts the reading frame from asparagine 873.
Molecular consequence: frameshift variant. On other transcripts: non-coding transcript variant (1).
Genome position (GRCh38, 1-based): chr9:95,972,367-95,972,368, GA deleted; deleting any 2 consecutive bases within chr9:95,972,366-95,972,368 gives the same sequence; the c. name uses the placement nearest the transcript's 3' end. VCF-style (leftmost placement, unchanged base first): chr9-95972365-CAG-C. GRCh37 (hg19) VCF-style: chr9-98734647-CAG-C.
Other names: c.2616_2617del, p.Asn873fs (NM_001375291.1, NM_001375292.1, NM_001375293.1 and 1 more transcripts); short protein forms N873fs.
Identifiers: ClinVar variation 4986684 (VCV004986684.1).
Genomic context (GRCh38, chr9:95,972,365, plus strand): 5'-GATAACATCCTAAATCCAAAAGAAAAGCATATTTTTTATAAAAGTGAGAAGATTTTAGAA[CAG>C]AATATTTCTTCCAAGTCTGACGAGAAAAAAATTAAAAATACAGATAAACATTGCATTTTA-3'